The following is an entry in ClinVar:

ClinVar aggregate classification (germline): Uncertain significance (1 of 4 stars; one submission).

Conditions:
Primary ciliary dyskinesia 27. Also called: CILIARY DYSKINESIA, PRIMARY, 27, WITHOUT SITUS INVERSUS. Identifiers: Orphanet 244, MedGen C3809701, MONDO:0014215, OMIM 615504.

Allele frequency attached by ClinVar (database versions not stated): gnomAD exomes 0.00001.
gnomAD v4.1: 9 of 1,611,018 alleles (0.00056%); highest among the groups gnomAD compares: Non-Finnish European, 0.00076%; no homozygotes.

Submission:

Labcorp Genetics (formerly Invitae), Labcorp
Classification: Uncertain significance for Primary ciliary dyskinesia 27. Last evaluated: 2020-09-08. Review status: criteria provided, single submitter. Criteria: Invitae Variant Classification Sherloc (09022015). Collection method: clinical testing. Allele origin: germline.
Comment: Nucleotide substitutions within the consensus splice site are a relatively common cause of aberrant splicing (PMID: 17576681, 9536098). Algorithms developed to predict the effect of sequence changes on RNA splicing suggest that this variant may disrupt the consensus splice site, but this prediction has not been confirmed by published transcriptional studies. This variant has not been reported in the literature in individuals with CCDC65-related conditions. This variant is not present in population databases (ExAC no frequency). This sequence change affects codon 393 of the CCDC65 mRNA. It is a 'silent' change, meaning that it does not change the encoded amino acid sequence of the CCDC65 protein. This variant also falls at the last nucleotide of exon 7 of the CCDC65 coding sequence, which is part of the consensus splice site for this exon. In summary, the available evidence is currently insufficient to determine the role of this variant in disease. Therefore, it has been classified as a Variant of Uncertain Significance.

Literature cited by the submitters: PubMed 17576681; PubMed 9536098.

NM_033124.5(DRC2):c.1179G>A (p.Lys393=)

Gene: DRC2 (dynein regulatory complex subunit 2; plus strand). Cytogenetic location: 12q13.12.
Variant type: single nucleotide variant.
Coding change: c.1179G>A on transcript NM_033124.5 (MANE Select); coding-DNA position 1179, G replaced by A.
Protein change: p.Lys393=; no amino-acid change (lysine 393 retained).
Molecular consequence: synonymous variant.
Genome position (GRCh38, 1-based): chr12:48,921,082, G>A. VCF-style: chr12-48921082-G-A. GRCh37 (hg19) VCF-style: chr12-49314865-G-A.
Other names: c.750G>A, p.Lys250= (NM_001286957.2).
Identifiers: ClinVar variation 1052530 (VCV001052530.7), dbSNP rs2137549768, ClinGen allele CA479703473.